The following is an entry in ClinVar:

NM_000382.3(ALDH3A2):c.119A>G (p.Asp40Gly)

Gene: ALDH3A2 (aldehyde dehydrogenase 3 family member A2; plus strand). Cytogenetic location: 17p11.2.
Variant type: single nucleotide variant.
Coding change: c.119A>G on transcript NM_000382.3 (MANE Select); coding-DNA position 119, A replaced by G.
Protein change: p.Asp40Gly; replaces aspartic acid 40 with glycine.
Molecular consequence: missense variant. On other transcripts: 5 prime UTR variant (1).
Genome position (GRCh38, 1-based): chr17:19,649,090, A>G. VCF-style: chr17-19649090-A-G. GRCh37 (hg19) VCF-style: chr17-19552403-A-G.
Other names: p.Asp40Gly; c.119A>G, p.Asp40Gly (NM_001031806.2, NM_001369136.1, NM_001369137.2 and 3 more transcripts); c.-570A>G (NM_001369148.2); short protein forms D40G.
Identifiers: ClinVar variation 728495 (VCV000728495.18), dbSNP rs147190807, ClinGen allele CA8442721.

ClinVar aggregate classification (germline): Conflicting classifications of pathogenicity. Review status: criteria provided, conflicting classifications (1 of 4 stars). 7 submissions from 7 submitters: Uncertain significance (1); Benign (1); Likely benign (4). 1 of the submissions does not count toward it. Last evaluated 2026-09-01.

Conditions:
ALDH3A2-related disorder. Also called: ALDH3A2-related condition.
Sjögren-Larsson syndrome (SLS). Also called: FALDH DEFICIENCY; FATTY ALCOHOL:NAD+ OXIDOREDUCTASE DEFICIENCY; FATTY ALDEHYDE DEHYDROGENASE DEFICIENCY; ICHTHYOSIS, SPASTIC NEUROLOGIC DISORDER, AND OLIGOPHRENIA. Identifiers: Orphanet 816, MedGen C0037231, MONDO:0010031, OMIM 270200.

Allele frequency attached by ClinVar (database versions not stated): TOPMed 0.00113; ESP Exome Variant Server 0.00116; ExAC 0.00139; 1000 Genomes Project 30x 0.00031; 1000 Genomes Project 0.00040; gnomAD 0.00058 and 0.00099.
gnomAD v4.1: 1,024 of 1,582,244 alleles (0.065%); highest among the groups gnomAD compares: Middle Eastern, 0.13%; 2 homozygotes.

Submissions (7):

CeGaT Center for Human Genetics Tuebingen
Classification: Likely benign. Last evaluated: 2026-09-01. Review status: criteria provided, single submitter. Criteria: CeGaT Center For Human Genetics Tuebingen Variant Classification Criteria Version 2. Collection method: clinical testing. Allele origin: germline. Affected: yes. Observed: 1 variant allele.
Comment: ALDH3A2: BS2

PreventionGenetics, part of Exact Sciences
Classification: Likely benign for ALDH3A2-related condition. Last evaluated: 2026-02-02. Review status: criteria provided, single submitter. Criteria: ACMG Guidelines, 2015. Collection method: clinical testing. Allele origin: germline.
Comment: This variant is classified as likely benign based on ACMG/AMP sequence variant interpretation guidelines (Richards et al. 2015 PMID: 25741868, with internal and published modifications).

Labcorp Genetics (formerly Invitae), Labcorp
Classification: Benign. Last evaluated: 2026-02-01. Review status: criteria provided, single submitter. Criteria: Invitae Variant Classification Sherloc (09022015). Collection method: clinical testing. Allele origin: germline.

Mayo Clinic Laboratories, Mayo Clinic
Classification: Likely benign. Last evaluated: 2025-03-26. Review status: criteria provided, single submitter. Criteria: ACMG Guidelines, 2015. Collection method: clinical testing. Allele origin: germline. Observed: 2 variant alleles.
Comment: BS1

Blueprint Genetics
Classification: Likely benign. Last evaluated: 2024-11-22. Review status: criteria provided, single submitter. Criteria: ACMG Guidelines, 2015. Collection method: clinical testing. Allele origin: germline.

Illumina Laboratory Services, Illumina
Classification: Uncertain significance for Sjögren-Larsson syndrome. Last evaluated: 2018-01-13. Review status: criteria provided, single submitter. Criteria: ICSL Variant Classification Criteria 13 December 2019. Collection method: clinical testing. Allele origin: germline.

Natera, Inc.
Classification: Benign for SjÃ¶gren-Larsson syndrome. Last evaluated: 2020-05-01. Review status: no assertion criteria provided. Collection method: clinical testing. Allele origin: germline. Not counted in ClinVar's aggregate classification.